The following is an entry in ClinVar:

ClinVar aggregate classification (germline): Uncertain significance (1 of 4 stars; one submission).

Conditions:
Joubert syndrome. Also called: CEREBELLOPARENCHYMAL DISORDER IV; JOUBERT-BOLTSHAUSER SYNDROME; Familial aplasia of the vermis. Identifiers: Orphanet 475, MedGen C5979921, MONDO:0018772.
Meckel-Gruber syndrome. Also called: DYSENCEPHALIA SPLANCHNOCYSTICA; GRUBER SYNDROME; Dysencephalia splachnocystica. Identifiers: Orphanet 564, MedGen C0265215, MONDO:0018921.

Allele frequency attached by ClinVar (database versions not stated): gnomAD 0.00001; 1000 Genomes Project 30x 0.00031.
gnomAD v4.1: 10 of 1,599,402 alleles (0.00063%); highest among the groups gnomAD compares: East Asian, 0.02%; no homozygotes.

Submission:

Labcorp Genetics (formerly Invitae), Labcorp
Classification: Uncertain significance for Joubert syndrome; Meckel-Gruber syndrome. Last evaluated: 2022-08-31. Review status: criteria provided, single submitter. Criteria: Invitae Variant Classification Sherloc (09022015). Collection method: clinical testing. Allele origin: germline.
Comment: This sequence change falls in intron 15 of the MKS1 gene. It does not directly change the encoded amino acid sequence of the MKS1 protein. This variant is present in population databases (no rsID available, gnomAD 0.03%). This variant has not been reported in the literature in individuals affected with MKS1-related conditions. Algorithms developed to predict the effect of sequence changes on RNA splicing suggest that this variant may create or strengthen a splice site. In summary, the available evidence is currently insufficient to determine the role of this variant in disease. Therefore, it has been classified as a Variant of Uncertain Significance.

NM_017777.4(MKS1):c.1408-28C>G

Gene: MKS1 (MKS transition zone complex subunit 1; minus strand). Cytogenetic location: 17q22.
Variant type: single nucleotide variant.
Coding change: c.1408-28C>G on transcript NM_017777.4 (MANE Select); 28 bases into the intron before coding-DNA position 1408, C replaced by G.
Molecular consequence: intron variant.
Genome position (GRCh38, 1-based): chr17:58,206,575, G>C on the plus strand (C>G on the coding strand, the complement: MKS1 is on the minus strand). VCF-style: chr17-58206575-G-C. GRCh37 (hg19) VCF-style: chr17-56283936-G-C.
Other names: c.799-28C>G (NM_001321268.2); c.1274-195C>G (NM_001330397.2); c.1408-195C>G (NM_001321269.2).
Identifiers: ClinVar variation 2162680 (VCV002162680.1), dbSNP rs1374491789, ClinGen allele CA626728861.